The following is an entry in ClinVar:

ClinVar aggregate classification (germline): Uncertain significance (1 of 4 stars; one submission).

Allele frequency attached by ClinVar (database versions not stated): gnomAD 0.00001; 1000 Genomes Project 30x 0.00016.
gnomAD v4.1: 1 of 1,614,012 alleles (0.000062%); highest among the groups gnomAD compares: South Asian, 0.0011%; no homozygotes.

Submission:

Labcorp Genetics (formerly Invitae), Labcorp
Classification: Uncertain significance. Last evaluated: 2022-04-12. Review status: criteria provided, single submitter. Criteria: Invitae Variant Classification Sherloc (09022015). Collection method: clinical testing. Allele origin: germline.
Comment: In summary, the available evidence is currently insufficient to determine the role of this variant in disease. Therefore, it has been classified as a Variant of Uncertain Significance. Algorithms developed to predict the effect of missense changes on protein structure and function are either unavailable or do not agree on the potential impact of this missense change (SIFT: "Tolerated"; PolyPhen-2: "Probably Damaging"; Align-GVGD: "Class C0"). This variant has not been reported in the literature in individuals affected with ATR-related conditions. This sequence change replaces proline, which is neutral and non-polar, with serine, which is neutral and polar, at codon 1833 of the ATR protein (p.Pro1833Ser). This variant is not present in population databases (gnomAD no frequency).

NM_001184.4(ATR):c.5497C>T (p.Pro1833Ser)

Gene: ATR (ATR checkpoint kinase; minus strand). Cytogenetic location: 3q23.
Variant type: single nucleotide variant.
Coding change: c.5497C>T on transcript NM_001184.4 (MANE Select); coding-DNA position 5497, C replaced by T.
Protein change: p.Pro1833Ser; replaces proline 1833 with serine.
Molecular consequence: missense variant.
Genome position (GRCh38, 1-based): chr3:142,498,658, G>A on the plus strand (C>T on the coding strand, the complement: ATR is on the minus strand). VCF-style: chr3-142498658-G-A. GRCh37 (hg19) VCF-style: chr3-142217500-G-A.
Other names: c.5305C>T, p.Pro1769Ser (NM_001354579.2); short protein forms P1769S, P1833S.
Identifiers: ClinVar variation 2066125 (VCV002066125.4), dbSNP rs2108341009, ClinGen allele CA354815691.
Genomic context (GRCh38, chr3:142,498,658, plus strand): 5'-TCACAATATATTCATATCCTCGTTGGTAGGAGCCTCTTTCAAAGCTTGCAGCTGAAAGAG[G>A]TACAATTTGTTCTGCTCTCACTAGTTTCAGTGAGTCATAAAAAGCTGTGATATCTCTTTT-3'
Protein context (NP_001175.2, residues 1823-1843): LKLVRAEQIV[Pro1833Ser]LSAASFERGS